The following is an entry in ClinVar:

ClinVar aggregate classification (germline): Benign. Review status: criteria provided, multiple submitters, no conflicts (2 of 4 stars). 2 submissions from 2 submitters: Benign (2). Last evaluated 2018-01-12.

Conditions:
Mucopolysaccharidosis type 7 (MPS7). Also called: GUSB DEFICIENCY; SLY SYNDROME; BETA-GLUCURONIDASE DEFICIENCY; MPS VII. Identifiers: Orphanet 584, MedGen C0085132, MONDO:0009662, OMIM 253220.

Allele frequency attached by ClinVar (database versions not stated): 1000 Genomes Project 0.01258; TOPMed 0.02356; gnomAD 0.02364 and 0.02406; gnomAD exomes 0.02947.
gnomAD v4.1: 18,296 of 648,770 alleles (2.8%); highest among the groups gnomAD compares: Middle Eastern, 4.7%; 361 homozygotes.

Submissions (2):

Illumina Laboratory Services, Illumina
Classification: Benign for Mucopolysaccharidosis type 7. Last evaluated: 2018-01-12. Review status: criteria provided, single submitter. Criteria: ICSL Variant Classification Criteria 13 December 2019. Collection method: clinical testing. Allele origin: germline.
Comment: This variant was observed in the ICSL laboratory as part of a predisposition screen in an ostensibly healthy population. It had not been previously curated by ICSL or reported in the Human Gene Mutation Database (HGMD: prior to June 1st, 2018), and was therefore a candidate for classification through an automated scoring system. Utilizing variant allele frequency, disease prevalence and penetrance estimates, and inheritance mode, an automated score was calculated to assess if this variant is too frequent to cause the disease. Based on the score and internal cut-off values, a variant classified as benign is not then subjected to further curation. The score for this variant resulted in a classification of benign for this disease.

Breakthrough Genomics
Classification: Benign. Review status: criteria provided, single submitter. Criteria: ACMG Guidelines, 2015. Collection method: not provided. Allele origin: germline. Inheritance: Autosomal recessive inheritance. Affected: yes.

NM_000181.4(GUSB):c.*172A>G

Gene: GUSB (glucuronidase beta; minus strand). Cytogenetic location: 7q11.21.
Variant type: single nucleotide variant.
Coding change: c.*172A>G on transcript NM_000181.4 (MANE Select); 172 bases downstream of the stop codon, A replaced by G.
Molecular consequence: 3 prime UTR variant. On other transcripts: non-coding transcript variant (1).
Genome position (GRCh38, 1-based): chr7:65,960,725, T>C on the plus strand (A>G on the coding strand, the complement: GUSB is on the minus strand). VCF-style: chr7-65960725-T-C. GRCh37 (hg19) VCF-style: chr7-65425712-T-C.
Other names: c.*172A>G (NM_001284290.2, NM_001293104.2, NM_001293105.2).
Identifiers: ClinVar variation 910523 (VCV000910523.5), dbSNP rs77293332, ClinGen allele CA12564153.
Genomic context (GRCh38, chr7:65,960,725, plus strand): 5'-CAGAAATGATTTCAGATGCTTTTCAGTAGCCACTTTCATGCCAACTCTTTATTTCCATAA[T>C]AGAAAATCTTTTATTTCCACCTTTAGTGTTCCCTGCTAGAATAGATGACCACAAAACCCA-3'